The following is an entry in ClinVar:

ClinVar aggregate classification (germline): Conflicting classifications of pathogenicity. Review status: criteria provided, conflicting classifications (1 of 4 stars). 11 submissions from 11 submitters: Uncertain significance (7); Likely benign (1). 3 of the submissions do not count toward it. Last evaluated 2026-09-09.

Conditions:
Cardiovascular phenotype. Identifiers: MedGen CN230736.
Retinal dystrophy. Also called: Inherited retinal dystrophy. Identifiers: Orphanet 71862, MedGen C0854723, MeSH D058499, MONDO:0019118, HP:0000556.
Alstrom syndrome (ALMS). Identifiers: Orphanet 64, MedGen C0268425, MONDO:0008763, OMIM 203800.

Allele frequency attached by ClinVar (database versions not stated): gnomAD 0.00008 and 0.00011; TOPMed 0.00010; gnomAD exomes 0.00013 and 0.00043; ESP Exome Variant Server 0.00017; ExAC 0.00046.
gnomAD v4.1: 223 of 1,613,216 alleles (0.014%); highest among the groups gnomAD compares: East Asian, 0.08%; no homozygotes.

Submissions (11):

GeneDx
Classification: Uncertain significance. Last evaluated: 2026-09-09. Review status: criteria provided, single submitter. Criteria: GeneDx Variant Classification Process June 2021. Collection method: clinical testing. Allele origin: germline.
Comment: In silico analysis suggests that this missense variant does not alter protein structure/function; Has not been previously published as pathogenic or benign to our knowledge

Labcorp Genetics (formerly Invitae), Labcorp
Classification: Uncertain significance for Alstrom syndrome. Last evaluated: 2026-01-05. Review status: criteria provided, single submitter. Criteria: Invitae Variant Classification Sherloc (09022015). Collection method: clinical testing. Allele origin: germline.
Comment: This sequence change replaces arginine, which is basic and polar, with tryptophan, which is neutral and slightly polar, at codon 1418 of the ALMS1 protein (p.Arg1418Trp). This variant is present in population databases (rs199615803, gnomAD 0.2%). This variant has not been reported in the literature in individuals affected with ALMS1-related conditions. ClinVar contains an entry for this variant (Variation ID: 550230). Experimental studies and prediction algorithms are not available or were not evaluated, and the functional significance of this variant is currently unknown. In summary, the available evidence is currently insufficient to determine the role of this variant in disease. Therefore, it has been classified as a Variant of Uncertain Significance.

Blueprint Genetics
Classification: Uncertain significance. Last evaluated: 2024-11-01. Review status: criteria provided, single submitter. Criteria: ACMG Guidelines, 2015. Collection method: clinical testing. Allele origin: germline.

Women's Health and Genetics/Laboratory Corporation of America, LabCorp
Classification: Uncertain significance. Last evaluated: 2024-02-26. Review status: criteria provided, single submitter. Criteria: LabCorp Variant Classification Summary - May 2015. Collection method: clinical testing. Allele origin: germline.
Comment: Variant summary: ALMS1 c.4246C>T (p.Arg1416Trp) results in a non-conservative amino acid change in the encoded protein sequence. Three of five in-silico tools predict a benign effect of the variant on protein function. The variant allele was found at a frequency of 0.00043 in 249210 control chromosomes (gnomAD). This frequency is not significantly higher than estimated for a pathogenic variant in ALMS1 causing Cardiomyopathy (0.00043 vs 0.0022), allowing no conclusion about variant significance. To our knowledge, no occurrence of c.4246C>T in individuals affected with Cardiomyopathy and no experimental evidence demonstrating its impact on protein function have been reported. ClinVar contains an entry for this variant (Variation ID: 550230). Based on the evidence outlined above, the variant was classified as uncertain significance.

Ambry Genetics
Classification: Likely benign for Cardiovascular phenotype. Last evaluated: 2022-03-07. Review status: criteria provided, single submitter. Criteria: Ambry Variant Classification Scheme 2023. Collection method: clinical testing. Allele origin: germline.

New York Genome Center
Classification: Uncertain significance for Alstrom syndrome. Last evaluated: 2021-08-19. Review status: criteria provided, single submitter. Criteria: NYGC Assertion Criteria 2020. Collection method: clinical testing. Allele origin: germline. Observed: 1 heterozygote.

Genome-Nilou Lab
Classification: Uncertain significance for Alstrom syndrome. Last evaluated: 2021-07-14. Review status: criteria provided, single submitter. Criteria: ACMG Guidelines, 2015. Collection method: clinical testing. Allele origin: germline. Affected: no.

Fulgent Genetics
Classification: Uncertain significance for Alstrom syndrome. Last evaluated: 2018-10-31. Review status: criteria provided, single submitter. Criteria: ACMG Guidelines, 2015. Collection method: clinical testing. Allele origin: unknown.

Institute of Human Genetics, Univ. Regensburg, Univ. Regensburg
Classification: Uncertain significance for Retinal dystrophy. Last evaluated: 2023-01-01. Review status: no assertion criteria provided. Criteria: ACMG Guidelines, 2015. Collection method: clinical testing. Allele origin: germline. Affected: yes. Not counted in ClinVar's aggregate classification.

Natera, Inc.
Classification: Uncertain significance for Alstrom syndrome. Last evaluated: 2021-07-15. Review status: no assertion criteria provided. Collection method: clinical testing. Allele origin: germline. Not counted in ClinVar's aggregate classification.

Counsyl
Classification: Uncertain significance for Alstrom syndrome. Last evaluated: 2017-01-06. Review status: no assertion criteria provided. Collection method: clinical testing. Allele origin: unknown. Not counted in ClinVar's aggregate classification.

NM_001378454.1(ALMS1):c.4249C>T (p.Arg1417Trp)

Gene: ALMS1 (ALMS1 centrosome and basal body associated protein; plus strand). Cytogenetic location: 2p13.1.
Variant type: single nucleotide variant.
Coding change: c.4249C>T on transcript NM_001378454.1 (MANE Select); coding-DNA position 4249, C replaced by T.
Protein change: p.Arg1417Trp; replaces arginine 1417 with tryptophan.
Molecular consequence: missense variant.
Genome position (GRCh38, 1-based): chr2:73,450,776, C>T. VCF-style: chr2-73450776-C-T. GRCh37 (hg19) VCF-style: chr2-73677903-C-T.
Other names: c.4252C>T, p.Arg1418Trp (NM_015120.4); short protein forms R1418W, R1417W.
Identifiers: ClinVar variation 550230 (VCV000550230.28), dbSNP rs199615803, ClinGen allele CA1713671.